The following is an entry in ClinVar:

NM_002693.3(POLG):c.1269T>A (p.Thr423=)

Gene: POLG (DNA polymerase gamma, catalytic subunit; minus strand). Cytogenetic location: 15q26.1.
Variant type: single nucleotide variant.
Coding change: c.1269T>A on transcript NM_002693.3 (MANE Select); coding-DNA position 1269, T replaced by A.
Protein change: p.Thr423=; no amino-acid change (threonine 423 retained).
Molecular consequence: synonymous variant.
Genome position (GRCh38, 1-based): chr15:89,327,331, A>T on the plus strand (T>A on the coding strand, the complement: POLG is on the minus strand). VCF-style: chr15-89327331-A-T. GRCh37 (hg19) VCF-style: chr15-89870562-A-T.
Other names: c.1269T>A (NM_002693.2); c.1269T>A, p.Thr423= (NM_001126131.2).
Identifiers: ClinVar variation 291152 (VCV000291152.14), dbSNP rs886044670, ClinGen allele CA10607040.

ClinVar aggregate classification (germline): Conflicting classifications of pathogenicity. Review status: criteria provided, conflicting classifications (1 of 4 stars). 3 submissions from 3 submitters: Uncertain significance (1); Likely benign (2). Last evaluated 2025-04-09.

Conditions:
POLG-related disorder. Also called: POLG-related condition; POLG-Related Disorders; POLG-Related Spectrum Disorders. Identifiers: MedGen C4763519.
Progressive sclerosing poliodystrophy (MTDPS4A). Also called: NEURONAL DEGENERATION OF CHILDHOOD WITH LIVER DISEASE, PROGRESSIVE; ALPERS PROGRESSIVE INFANTILE POLIODYSTROPHY; Mitochondrial DNA Depletion Syndrome 4A; Alpers Syndrome; ALPERS DIFFUSE DEGENERATION OF CEREBRAL GRAY MATTER WITH HEPATIC CIRRHOSIS; Alpers-Huttenlocher Syndrome. Identifiers: Orphanet 726, MedGen C0205710, MONDO:0008758, OMIM 203700.

Allele frequency attached by ClinVar (database versions not stated): TOPMed 0.00001.

Submissions (3):

PreventionGenetics, part of Exact Sciences
Classification: Likely benign for POLG-related condition. Last evaluated: 2025-04-09. Review status: criteria provided, single submitter. Criteria: ACMG Guidelines, 2015. Collection method: clinical testing. Allele origin: germline.
Comment: This variant is classified as likely benign based on ACMG/AMP sequence variant interpretation guidelines (Richards et al. 2015 PMID: 25741868, with internal and published modifications).

Labcorp Genetics (formerly Invitae), Labcorp
Classification: Likely benign for Progressive sclerosing poliodystrophy. Last evaluated: 2022-07-12. Review status: criteria provided, single submitter. Criteria: Invitae Variant Classification Sherloc (09022015). Collection method: clinical testing. Allele origin: germline.

Eurofins Ntd Llc (ga)
Classification: Uncertain significance. Last evaluated: 2016-09-07. Review status: criteria provided, single submitter. Criteria: EGL Classification Definitions 2015. Collection method: clinical testing. Allele origin: germline. Observed: 1 variant allele, 1 heterozygote.